The following is an entry in ClinVar:

ClinVar aggregate classification (germline): Uncertain significance (1 of 4 stars; one submission).

Conditions:
Inborn genetic diseases. Identifiers: MedGen C0950123, MeSH D030342.

Allele frequency attached by ClinVar (database versions not stated): ExAC 0.00001.
gnomAD v4.1: 1 of 1,245,178 alleles (0.00008%); highest among the groups gnomAD compares: Non-Finnish European, 0.00012%; no homozygotes.

Submission:

Ambry Genetics
Classification: Uncertain significance for Inborn genetic diseases. Last evaluated: 2023-11-29. Review status: criteria provided, single submitter. Criteria: Ambry Variant Classification Scheme 2023. Collection method: clinical testing. Allele origin: germline.
Comment: The p.C74R variant (also known as c.220T>C), located in coding exon 3 of the EPAS1 gene, results from a T to C substitution at nucleotide position 220. The cysteine at codon 74 is replaced by arginine, an amino acid with highly dissimilar properties. This amino acid position is conserved. In addition, this alteration is predicted to be tolerated by in silico analysis. Since supporting evidence is limited at this time, the clinical significance of this alteration remains unclear.

NM_001430.5(EPAS1):c.220T>C (p.Cys74Arg)

Gene: EPAS1 (endothelial PAS domain protein 1; plus strand). Cytogenetic location: 2p21.
Variant type: single nucleotide variant.
Coding change: c.220T>C on transcript NM_001430.5 (MANE Select); coding-DNA position 220, T replaced by C.
Protein change: p.Cys74Arg; replaces cysteine 74 with arginine.
Molecular consequence: missense variant.
Genome position (GRCh38, 1-based): chr2:46,356,153, T>C. VCF-style: chr2-46356153-T-C. GRCh37 (hg19) VCF-style: chr2-46583292-T-C.
Other names: short protein forms C74R.
Identifiers: ClinVar variation 3221611 (VCV003221611.1), dbSNP rs748761768, ClinGen allele CA1644580.